The following is an entry in ClinVar:

NM_000383.4(AIRE):c.1214_1215delinsT (p.Pro405fs)

Gene: AIRE (autoimmune regulator; plus strand). Cytogenetic location: 21q22.3.
Variant type: Indel.
Coding change: c.1214_1215delinsT on transcript NM_000383.4 (MANE Select); coding-DNA positions 1214 to 1215, CG replaced by T.
Protein change: p.Pro405fs; shifts the reading frame from proline 405.
Molecular consequence: frameshift variant.
Genome position (GRCh38, 1-based): chr21:44,293,111-44,293,112, CG replaced by T. VCF-style: chr21-44293111-CG-T. GRCh37 (hg19) VCF-style: chr21-45712994-CG-T.
Other names: short protein forms P405fs.
Identifiers: ClinVar variation 818051 (VCV000818051.1), dbSNP rs1601969230, ClinGen allele CA915952720.
Genomic context (GRCh38, chr21:44,293,111, plus strand): 5'-TAGCCGGCATGGACACGACTCTTGTCTACAAGCACCTGCCGGCTCCGCCTTCTGCAGCCC[CG>T]CTGCCAGGGCTGGACTCCTCGGCCCTGCACCCCCTACTGTGTGTGGGTCCTGAGGGTCAG-3'

ClinVar aggregate classification (germline): Likely pathogenic (1 of 4 stars; one submission).

Submission:

GeneDx
Classification: Likely pathogenic. Last evaluated: 2019-02-28. Review status: criteria provided, single submitter. Criteria: GeneDx Variant Classification (06012015). Collection method: clinical testing. Allele origin: germline. Affected: yes.
Comment: The c.1214_1215delCGinsT variant in the AIRE gene has not been reported previously as a pathogenic variant nor as a benign variant, to our knowledge. The c.1214_1215delCGinsT variant causes a frameshift starting with codon Proline 405, changes this amino acid to a Leucine residue, and creates a premature Stop codon at position 75 of the new reading frame, denoted p.Pro405LeufsX75. This variant is predicted to cause loss of normal protein function either through protein truncation or nonsense-mediated mRNA decay. The c.1214_1215delCGinsT variant is not observed in large population cohorts (Lek et al., 2016). We interpret c.1214_1215delCGinsT as a likely pathogenic variant.